The following is an entry in ClinVar:

NM_012179.4(FBXO7):c.421G>C (p.Gly141Arg)

Gene: FBXO7 (F-box protein 7; plus strand). Cytogenetic location: 22q12.3.
Variant type: single nucleotide variant.
Coding change: c.421G>C on transcript NM_012179.4 (MANE Select); coding-DNA position 421, G replaced by C.
Protein change: p.Gly141Arg; replaces glycine 141 with arginine.
Molecular consequence: missense variant.
Genome position (GRCh38, 1-based): chr22:32,483,900, G>C. VCF-style: chr22-32483900-G-C. GRCh37 (hg19) VCF-style: chr22-32879887-G-C.
Other names: c.184G>C, p.Gly62Arg (NM_001033024.2); c.79G>C, p.Gly27Arg (NM_001257990.2); short protein forms G141R, G27R, G62R.
Identifiers: ClinVar variation 4082436 (VCV004082436.2).

ClinVar aggregate classification (germline): Uncertain significance (1 of 4 stars; one submission).

Submission:

Genetic Services Laboratory, University of Chicago
Classification: Uncertain significance. Last evaluated: 2023-02-10. Review status: criteria provided, single submitter. Criteria: ACMG Guidelines, 2015. Collection method: clinical testing. Allele origin: germline. Affected: no.
Comment: This sequence change does not appear to have been previously described in individuals with FBXO7-related disorders and has also not been described in population databases such as ExAC and gnomAD. The p.Gly141Arg change affects a moderately conserved amino acid residue located in a domain of the FBXO7 protein that is not known to be functional. In-silico pathogenicity prediction tools (SIFT, PolyPhen2, Align GVGD, REVEL) provide contradictory results for the p.Gly141Arg substitution. Due to insufficient evidence and the lack of functional studies, the clinical significance of the p.Gly141Arg change remains unknown at this time.